The following is an entry in ClinVar:

ClinVar aggregate classification (germline): Uncertain significance (1 of 4 stars; one submission).

Conditions:
Progressive myoclonic epilepsy type 5. Identifiers: Orphanet 402082, MedGen C5190799.

Allele frequency attached by ClinVar (database versions not stated): gnomAD 0.00001; TOPMed 0.00002.
gnomAD v4.1: 4 of 1,614,132 alleles (0.00025%); highest among the groups gnomAD compares: African/African-American, 0.0013%; no homozygotes.

Submission:

Labcorp Genetics (formerly Invitae), Labcorp
Classification: Uncertain significance for Progressive myoclonic epilepsy type 5. Last evaluated: 2020-01-21. Review status: criteria provided, single submitter. Criteria: Invitae Variant Classification Sherloc (09022015). Collection method: clinical testing. Allele origin: germline.
Comment: Algorithms developed to predict the effect of missense changes on protein structure and function (SIFT, PolyPhen-2, Align-GVGD) all suggest that this variant is likely to be disruptive, but these predictions have not been confirmed by published functional studies and their clinical significance is uncertain. In summary, the available evidence is currently insufficient to determine the role of this variant in disease. Therefore, it has been classified as a Variant of Uncertain Significance. This variant has not been reported in the literature in individuals with PRICKLE2-related conditions. This variant is not present in population databases (ExAC no frequency). This sequence change replaces serine with threonine at codon 337 of the PRICKLE2 protein (p.Ser337Thr). The serine residue is highly conserved and there is a small physicochemical difference between serine and threonine.

NM_198859.4(PRICKLE2):c.1010G>C (p.Ser337Thr)

Gene: PRICKLE2 (prickle planar cell polarity protein 2; minus strand). Cytogenetic location: 3p14.1.
Variant type: single nucleotide variant.
Coding change: c.1010G>C on transcript NM_198859.4 (MANE Select); coding-DNA position 1010, G replaced by C.
Protein change: p.Ser337Thr; replaces serine 337 with threonine.
Molecular consequence: missense variant.
Genome position (GRCh38, 1-based): chr3:64,147,480, C>G on the plus strand (G>C on the coding strand, the complement: PRICKLE2 is on the minus strand). VCF-style: chr3-64147480-C-G. GRCh37 (hg19) VCF-style: chr3-64133156-C-G.
Other names: c.1010G>C, p.Ser337Thr (NM_001370528.1); short protein forms S337T.
Identifiers: ClinVar variation 940564 (VCV000940564.7), dbSNP rs750388947, ClinGen allele CA75728019.